The following is an entry in ClinVar:

NM_001282531.3(ADNP):c.75C>A (p.Asp25Glu)

Gene: ADNP (activity dependent neuroprotector homeobox; minus strand). Cytogenetic location: 20q13.13.
Variant type: single nucleotide variant.
Coding change: c.75C>A on transcript NM_001282531.3 (MANE Select); coding-DNA position 75, C replaced by A.
Protein change: p.Asp25Glu; replaces aspartic acid 25 with glutamic acid.
Molecular consequence: missense variant. On other transcripts: intron variant (1).
Genome position (GRCh38, 1-based): chr20:50,903,922, G>T on the plus strand (C>A on the coding strand, the complement: ADNP is on the minus strand). VCF-style: chr20-50903922-G-T. GRCh37 (hg19) VCF-style: chr20-49520459-G-T.
Other names: c.75C>A, p.Asp25Glu (NM_001282532.2, NM_001347511.2, NM_015339.5 and 1 more transcripts); c.291C>A, p.Asp97Glu (NM_001439000.1); c.-576-1813C>A (NM_001439001.1); short protein forms D25E, D97E.
Identifiers: ClinVar variation 4851345 (VCV004851345.1).

ClinVar aggregate classification (germline): Likely benign (1 of 4 stars; one submission).

Conditions:
ADNP-related multiple congenital anomalies - intellectual disability - autism spectrum disorder. Also called: ADNP-Related Helsmoortel-Van der Aa Syndrome; Helsmoortel-Van der Aa Syndrome. Identifiers: Orphanet 404448, MedGen C4014538, MONDO:0014379, OMIM 615873. Disease mechanism: loss of function.

Submission:

Centre for Medical Genetics,  Mumbai
Classification: Likely benign for ADNP-related multiple congenital anomalies - intellectual disability - autism spectrum disorder. Last evaluated: 2026-04-09. Review status: criteria provided, single submitter. Criteria: ACMG Guidelines, 2015. Collection method: provider interpretation. Allele origin: germline. Inheritance: Autosomal dominant inheritance. Affected: no. Observed: 1 variant allele, 1 heterozygote.
Comment: The variant satisfies PM2 criteria - extremely low frequency in gnomAD population databases. However, the variant satisfies BS2 criteria - present in heterozygous state in an individual that clinically does not have Helsmoortel-van der Aa syndrome.

Literature cited by the submitters: PubMed 24531329.